The following is an entry in ClinVar:

ClinVar aggregate classification (germline): Likely benign (1 of 4 stars; one submission).

Conditions:
CIC-related disorder. Also called: CIC-related condition.

gnomAD v4.1: 23 of 1,611,020 alleles (0.0014%); highest among the groups gnomAD compares: Admixed American, 0.023%; no homozygotes.

Submission:

PreventionGenetics, part of Exact Sciences
Classification: Likely benign for CIC-related condition. Last evaluated: 2026-04-07. Review status: criteria provided, single submitter. Criteria: ACMG Guidelines, 2015. Collection method: clinical testing. Allele origin: germline.
Comment: This variant is classified as likely benign based on ACMG/AMP sequence variant interpretation guidelines (Richards et al. 2015 PMID: 25741868, with internal and published modifications).

NM_001386298.1(CIC):c.5902+7G>A

Gene: CIC (capicua transcriptional repressor; plus strand). Cytogenetic location: 19q13.2.
Variant type: single nucleotide variant.
Coding change: c.5902+7G>A on transcript NM_001386298.1 (MANE Select); 7 bases into the intron after coding-DNA position 5902, G replaced by A.
Molecular consequence: intron variant.
Genome position (GRCh38, 1-based): chr19:42,292,473, G>A. VCF-style: chr19-42292473-G-A. GRCh37 (hg19) VCF-style: chr19-42796625-G-A.
Other names: c.5902+7G>A (NM_001304815.2, NM_001439186.1, NM_001439183.1 and 6 more transcripts); c.3175+7G>A (NM_015125.5, NM_001379484.1, NM_001439190.1 and 3 more transcripts).
Identifiers: ClinVar variation 4984727 (VCV004984727.1).